The following is an entry in ClinVar:

ClinVar aggregate classification (germline): Pathogenic/Likely pathogenic. Review status: criteria provided, multiple submitters, no conflicts (2 of 4 stars). 2 submissions from 2 submitters: Pathogenic (1); Likely pathogenic (1). Last evaluated 2026-10-18.

Conditions:
Pendred syndrome (PDS). Also called: DEAFNESS WITH GOITER; GOITER-DEAFNESS SYNDROME; Pendred Syndrome (PDS); HYPOTHYROIDISM, CONGENITAL, DUE TO DYSHORMONOGENESIS, 2B; THYROID DYSHORMONOGENESIS 2B; THYROID HORMONOGENESIS, GENETIC DEFECT IN, 2B. Identifiers: Orphanet 705, MedGen C0271829, MONDO:0010134, OMIM 274600.
Autosomal recessive nonsyndromic hearing loss 4 (DFNB4). Also called: NEUROSENSORY NONSYNDROMIC RECESSIVE DEAFNESS 4; FOXI1-Related Pendred Syndrome; KCNJ10-Related Pendred Syndrome; DEAFNESS, AUTOSOMAL RECESSIVE 4, WITH ENLARGED VESTIBULAR AQUEDUCT, DIGENIC; Nonsyndromic enlarged vestibular aqueduct (NSEVA); Deafness, autosomal recessive 4, with enlarged vestibular aqueduct. Identifiers: Orphanet 90636, MedGen C3538946, MONDO:0010933, OMIM 600791.

Submissions (2):

Precision Medicine Center, Zhengzhou University
Classification: Pathogenic for Autosomal recessive nonsyndromic hearing loss 4. Last evaluated: 2026-10-18. Review status: criteria provided, single submitter. Criteria: ClinGen HL ACMG Specifications v1. Collection method: clinical testing. Allele origin: germline. Inheritance: Autosomal recessive inheritance. Affected: yes. Observed: 1 variant allele, 1 compound heterozygote.
Comment: PVS1 (canonical splice acceptor variant in intron 8, predicted to abolish the exon 9 acceptor site and cause loss of function); PM2 (absent from population frequency databases); PP4 (bilateral enlarged vestibular aqueduct with incomplete partition type II and profound sensorineural hearing loss, a phenotype highly specific for SLC26A4-related disease).

Myriad Genetics, Inc.
Classification: Likely pathogenic for Pendred syndrome. Last evaluated: 2026-01-20. Review status: criteria provided, single submitter. Criteria: Myriad Autosomal Dominant, Autosomal Recessive and X-Linked Classification Criteria (2023). Collection method: clinical testing. Allele origin: unknown.
Comment: NM_000441.1(SLC26A4):c.1002-1G>A is a variant in a canonical splice site classified as likely pathogenic in the context of Pendred syndrome. c.1002-1G>A has not been observed in cases with relevant disease. Relevant functional assessments of this variant are not available in the literature. c.1002-1G>A has not been observed in referenced population frequency databases. In summary, NM_000441.1(SLC26A4):c.1002-1G>A is a variant in a canonical splice site in a gene where loss of function is a known mechanism of disease and is predicted to disrupt protein function. Please note: this variant was assessed in the context of healthy population screening.

NM_000441.2(SLC26A4):c.1002-1G>A

Gene: SLC26A4 (solute carrier family 26 member 4; plus strand). Cytogenetic location: 7q22.3.
Variant type: single nucleotide variant.
Coding change: c.1002-1G>A on transcript NM_000441.2 (MANE Select); the canonical splice acceptor site of the intron before coding-DNA position 1002, G replaced by A.
Molecular consequence: splice acceptor variant.
Genome position (GRCh38, 1-based): chr7:107,689,052, G>A. VCF-style: chr7-107689052-G-A. GRCh37 (hg19) VCF-style: chr7-107329497-G-A.
Identifiers: ClinVar variation 5003640 (VCV005003640.2).